The following is an entry in ClinVar:

NM_001270974.2(HYDIN):c.2075+1G>T

Gene: HYDIN (HYDIN axonemal central pair apparatus protein; minus strand). Cytogenetic location: 16q22.2.
Variant type: single nucleotide variant.
Coding change: c.2075+1G>T on transcript NM_001270974.2 (MANE Select); the canonical splice donor site of the intron after coding-DNA position 2075, G replaced by T.
Molecular consequence: splice donor variant.
Genome position (GRCh38, 1-based): chr16:71,067,289, C>A on the plus strand (G>T on the coding strand, the complement: HYDIN is on the minus strand). VCF-style: chr16-71067289-C-A. GRCh37 (hg19) VCF-style: chr16-71101192-C-A.
Other names: c.2075+1G>T (NM_017558.5); c.2126+1G>T (NM_001198543.1); c.2156+1G>T (NM_001198542.1).
Identifiers: ClinVar variation 4883918 (VCV004883918.2).
Genomic context (GRCh38, chr16:71,067,289, plus strand): 5'-GGCAGCCCATTACTGGAGGCTCGGGGGCGACTCAGGAGAAGAGCAAGCTGGGGAGCAATA[C>A]CTTGCTGTAATTAAGAGCGCCAGCACCTCTTCTCCGATGCCCTCCACGTCCACCACGAGT-3'

ClinVar aggregate classification (germline): Likely pathogenic (1 of 4 stars; one submission).

Submission:

Dasa
Classification: Likely pathogenic. Last evaluated: 2025-05-29. Review status: criteria provided, single submitter. Criteria: DASA Assertion Criteria. Collection method: clinical testing. Allele origin: germline.
Comment: NM_001270974.2(HYDIN):c.2075+1G>T affects a canonical splice site and is predicted to disrupt normal RNA splicing. Loss of function is an established disease mechanism for HYDIN-associated disorders. Also, this variant is rare in population databases. Based on the currently available evidence, this variant is classified as likely pathogenic.